The following is an entry in ClinVar:

ClinVar aggregate classification (germline): Pathogenic. Review status: reviewed by expert panel (3 of 4 stars). 3 submissions from 3 submitters: Pathogenic (1). 2 of the submissions do not count toward it. Last evaluated 2025-06-19.

Conditions:
Glanzmann thrombasthenia. Also called: THROMBASTHENIA OF GLANZMANN AND NAEGELI; Glanzmann's thrombasthenia; PLATELET GLYCOPROTEIN IIb-IIIa DEFICIENCY; Thrombasthenia. Identifiers: Orphanet 849, MedGen C0040015, MONDO:0100326.

Allele frequency attached by ClinVar (database versions not stated): TOPMed 0.00001; gnomAD exomes 0.00001 and below 0.00001.
gnomAD v4.1: 8 of 1,613,990 alleles (0.0005%); highest among the groups gnomAD compares: South Asian, 0.0011%; no homozygotes.

Submissions (3):

ClinGen Platelet Disorders Variant Curation Expert Panel, ClinGen
Classification: Pathogenic for Glanzmann thrombasthenia. Last evaluated: 2025-06-19. Review status: reviewed by expert panel. Criteria: ClinGen Platelet ACMG Specifications v2-1. Collection method: curation. Allele origin: germline. Inheritance: Autosomal recessive inheritance.
Comment: The NM_000212.3(ITGB3):c.856G>A (p.Gly286Arg) missense variant has been reported in at least two unrelated Glanzmann thrombasthenia patients (PMIDs: 32237906, 21113249). Patient TE displayed mucocutaneous bleeding and impaired aggregation with all agonists except ristocetin, which is highly specific for Glanzmann thrombasthenia. Additionally, αIIbβ3 surface expression was reduced to <1%, as measured by flow cytometry, and there was loss of binding to PAC-1. (PP4_strong). GT3 of PMID: 32237906 is compound heterozygous for this variant and a pathogenic variant (c.361+1G>A) (PM3). The highest population minor allele frequency in gnomAD v4.1 is 0.00001098 (1/91070 alleles) in the South Asian population, which is lower than the ClinGen PD VCEP threshold (<0.0001; PM2_Supporting). The computational predictor REVEL gives a score of 0.967 (PP3). The same amino acid change, resulting from a different nucleotide change c.856G>C, has been reported in a patient with Glanzmann thrombasthenia (PMID: 31064749). It has been classified likely pathogenic by the ClinGen PD VCEP (PS1_Moderate). In summary, this variant meets the criteria to be classified as Pathogenic for autosomal recessive Glanzmann Thrombasthenia based on the ACMG/AMP criteria applied, as specified by the ClinGen PD VCEP: PP4_strong, PM3, PM2_supporting, PP3, PS1_Moderate. (VCEP specifications version 2).

Labcorp Genetics (formerly Invitae), Labcorp
Classification: Pathogenic. Last evaluated: 2025-06-08. Review status: criteria provided, single submitter. Criteria: Invitae Variant Classification Sherloc (09022015). Collection method: clinical testing. Allele origin: germline. Not counted in ClinVar's aggregate classification.
Comment: This sequence change replaces glycine, which is neutral and non-polar, with arginine, which is basic and polar, at codon 286 of the ITGB3 protein (p.Gly286Arg). This variant is present in population databases (no rsID available, gnomAD 0.002%). This missense change has been observed in individual(s) with autosomal recessive Glanzmann's thrombasthenia (PMID: 21113249, 32237906; internal data). In at least one individual the data is consistent with being in trans (on the opposite chromosome) from a pathogenic variant. ClinVar contains an entry for this variant (Variation ID: 1330339). Invitae Evidence Modeling of protein sequence and biophysical properties (such as structural, functional, and spatial information, amino acid conservation, physicochemical variation, residue mobility, and thermodynamic stability) indicates that this missense variant is expected to disrupt ITGB3 protein function with a positive predictive value of 95%. For these reasons, this variant has been classified as Pathogenic.

Dasa
Classification: Pathogenic. Last evaluated: 2025-02-24. Review status: criteria provided, single submitter. Criteria: DASA Assertion Criteria. Collection method: clinical testing. Allele origin: germline. Not counted in ClinVar's aggregate classification.
Comment: NM_000212.3(ITGB3):c.856G>A (p.Gly286Arg) is a missense variant that results in the substitution of glycine with arginine. This variant results in the same amino acid change as a previously established pathogenic variant. This variant has been recurrently observed in individuals with related phenotype (PMID: 32237906; PMID: 34435350). Multiple computational predictions support a deleterious effect on the gene or gene product. The variant is present at low frequency in population datasets. Based on the available data, this variant is classified as pathogenic.

Literature cited by the submitters: PubMed 21113249 (cited by Labcorp Genetics (formerly Invitae), Labcorp); PubMed 32237906 (cited by Labcorp Genetics (formerly Invitae), Labcorp and Dasa); PubMed 34435350 (cited by Dasa).

NM_000212.3(ITGB3):c.856G>A (p.Gly286Arg)

Genes: ITGB3 (integrin subunit beta 3; plus strand), LOC130061045 (ATAC-STARR-seq lymphoblastoid active region 12309; plus strand). Cytogenetic location: 17q21.32.
Variant type: single nucleotide variant.
Coding change: c.856G>A on transcript NM_000212.3 (MANE Select); coding-DNA position 856, G replaced by A.
Protein change: p.Gly286Arg; replaces glycine 286 with arginine.
Molecular consequence: missense variant.
Genome position (GRCh38, 1-based): chr17:47,287,148, G>A. VCF-style: chr17-47287148-G-A. GRCh37 (hg19) VCF-style: chr17-45364514-G-A.
Other names: NM_000212.3:c.856G>A; short protein forms G286R.
Identifiers: ClinVar variation 1330339 (VCV001330339.7), dbSNP rs1199275720, ClinGen allele CA400024922.